The following is an entry in ClinVar:

ClinVar aggregate classification (germline): Uncertain significance (1 of 4 stars; one submission).

Submission:

GeneDx
Classification: Uncertain significance. Last evaluated: 2026-05-30. Review status: criteria provided, single submitter. Criteria: GeneDx Variant Classification Process June 2021. Collection method: clinical testing. Allele origin: germline.
Comment: Not observed at significant frequency in large population cohorts (gnomAD); In silico analysis supports that this missense variant has a deleterious effect on protein structure/function; Has not been previously published as pathogenic or benign to our knowledge

NM_139319.3(SLC17A8):c.1504G>C (p.Ala502Pro)

Gene: SLC17A8 (solute carrier family 17 member 8; plus strand). Cytogenetic location: 12q23.1.
Variant type: single nucleotide variant.
Coding change: c.1504G>C on transcript NM_139319.3 (MANE Select); coding-DNA position 1504, G replaced by C.
Protein change: p.Ala502Pro; replaces alanine 502 with proline.
Molecular consequence: missense variant.
Genome position (GRCh38, 1-based): chr12:100,419,893, G>C. VCF-style: chr12-100419893-G-C. GRCh37 (hg19) VCF-style: chr12-100813671-G-C.
Other names: c.1354G>C, p.Ala452Pro (NM_001145288.2); short protein forms A452P, A502P.
Identifiers: ClinVar variation 3253586 (VCV003253586.2), dbSNP rs2500333916.